The following is an entry in ClinVar:

ClinVar aggregate classification (germline): Uncertain significance. Review status: criteria provided, multiple submitters, no conflicts (2 of 4 stars). 2 submissions from 2 submitters: Uncertain significance (2). Last evaluated 2025-09-11.

Conditions:
Cardiomyopathy (CMYO). Also called: Cardiomyopathies. Identifiers: Orphanet 167848, MedGen C0878544, MONDO:0004994, HP:0001638. Inheritance: Various modes of inheritance.
Hypertrophic cardiomyopathy. Also called: HYPERTROPHIC MYOCARDIOPATHY. Identifiers: Orphanet 217569, MedGen C0007194, MeSH D002312, MONDO:0005045, HP:0001639.

Allele frequency attached by ClinVar (database versions not stated): TOPMed below 0.00001.
gnomAD v4.1: 2 of 1,610,768 alleles (0.00012%); highest among the groups gnomAD compares: Admixed American, 0.0017%; no homozygotes.

Submissions (2):

Color Diagnostics, LLC DBA Color Health
Classification: Uncertain significance for Cardiomyopathy. Last evaluated: 2025-09-11. Review status: criteria provided, single submitter. Criteria: ACMG Guidelines, 2015. Collection method: clinical testing. Allele origin: germline.
Comment: This missense variant replaces arginine with glutamine at codon 63 of the TNNI3 protein. Computational prediction suggests that this variant may not impact protein structure and function. To our knowledge, functional studies have not been reported for this variant. This variant has not been reported in individuals affected with TNNI3-related disorders in the literature. This variant has been identified in 2/235666 chromosomes in the general population by the Genome Aggregation Database (gnomAD). The available evidence is insufficient to determine the role of this variant in disease conclusively. Therefore, this variant is classified as a Variant of Uncertain Significance.

All of Us Research Program, National Institutes of Health
Classification: Uncertain significance for Hypertrophic cardiomyopathy. Last evaluated: 2023-08-28. Review status: criteria provided, single submitter. Criteria: ACMG Guidelines, 2015. Collection method: clinical testing. Allele origin: germline. Inheritance: Autosomal dominant inheritance. Observed: 1 variant allele, 1 heterozygote.
Comment: This missense variant replaces arginine with glutamine at codon 63 of the TNNI3 protein. Computational prediction suggests that this variant may not impact protein structure and function (internally defined REVEL score threshold <= 0.5, PMID: 27666373). To our knowledge, functional studies have not been reported for this variant. This variant has not been reported in individuals affected with TNNI3-related disorders in the literature. This variant has been identified in 2/235666 chromosomes in the general population by the Genome Aggregation Database (gnomAD). The available evidence is insufficient to determine the role of this variant in disease conclusively. Therefore, this variant is classified as a Variant of Uncertain Significance.

This study involves interpretation of variants in research participants for the purpose of population health screening. Participant phenotype was not available at the time of variant classification. Additional details can be found in publication PMID: 35346344, PMCID: PMC8962531

NM_000363.5(TNNI3):c.188G>A (p.Arg63Gln)

Gene: TNNI3 (troponin I3, cardiac type; minus strand). Cytogenetic location: 19q13.42.
Variant type: single nucleotide variant.
Coding change: c.188G>A on transcript NM_000363.5 (MANE Select); coding-DNA position 188, G replaced by A.
Protein change: p.Arg63Gln; replaces arginine 63 with glutamine.
Molecular consequence: missense variant.
Genome position (GRCh38, 1-based): chr19:55,156,295, C>T on the plus strand (G>A on the coding strand, the complement: TNNI3 is on the minus strand). VCF-style: chr19-55156295-C-T. GRCh37 (hg19) VCF-style: chr19-55667663-C-T.
Other names: short protein forms R63Q.
Identifiers: ClinVar variation 3073257 (VCV003073257.2), dbSNP rs1205435733, ClinGen allele CA407441922.